The following is an entry in ClinVar:

ClinVar aggregate classification (germline): Uncertain significance (1 of 4 stars; one submission).

Conditions:
Inborn genetic diseases. Identifiers: MedGen C0950123, MeSH D030342.

Submission:

Ambry Genetics
Classification: Uncertain significance for Inborn genetic diseases. Last evaluated: 2026-05-14. Review status: criteria provided, single submitter. Criteria: Ambry Variant Classification Scheme 2023. Collection method: clinical testing. Allele origin: germline.
Comment: The p.K281T variant (also known as c.842A>C), located in coding exon 1 of the SAMD9L gene, results from an A to C substitution at nucleotide position 842. The lysine at codon 281 is replaced by threonine, an amino acid with similar properties. This amino acid position is conserved. In addition, this alteration is predicted to be tolerated by in silico analysis. Based on the available evidence, the clinical significance of this variant remains unclear.

NM_152703.5(SAMD9L):c.842A>C (p.Lys281Thr)

Gene: SAMD9L (sterile alpha motif domain containing 9 like; minus strand). Cytogenetic location: 7q21.2.
Variant type: single nucleotide variant.
Coding change: c.842A>C on transcript NM_152703.5 (MANE Select); coding-DNA position 842, A replaced by C.
Protein change: p.Lys281Thr; replaces lysine 281 with threonine.
Molecular consequence: missense variant.
Genome position (GRCh38, 1-based): chr7:93,135,130, T>G on the plus strand (A>C on the coding strand, the complement: SAMD9L is on the minus strand). VCF-style: chr7-93135130-T-G. GRCh37 (hg19) VCF-style: chr7-92764443-T-G.
Other names: c.842A>C, p.Lys281Thr (NM_001303496.3, NM_001303497.3, NM_001303498.3 and 5 more transcripts); short protein forms K281T.
Identifiers: ClinVar variation 4863993 (VCV004863993.1).